The following is an entry in ClinVar:

ClinVar aggregate classification (germline): Uncertain significance. Review status: criteria provided, multiple submitters, no conflicts (2 of 4 stars). 2 submissions from 2 submitters: Uncertain significance (2). Last evaluated 2019-08-29.

Conditions:
Breast-ovarian cancer, familial, susceptibility to, 4. Identifiers: Orphanet 145, MedGen C3280345, MONDO:0013669, OMIM 614291.

Submissions (2):

Labcorp Genetics (formerly Invitae), Labcorp
Classification: Uncertain significance for Breast-ovarian cancer, familial, susceptibility to, 4. Last evaluated: 2019-08-29. Review status: criteria provided, single submitter. Criteria: Invitae Variant Classification Sherloc (09022015). Collection method: clinical testing. Allele origin: germline.
Comment: This sequence change replaces valine with isoleucine at codon 51 of the RAD51D protein (p.Val51Ile). The valine residue is moderately conserved and there is a small physicochemical difference between valine and isoleucine. In summary, the available evidence is currently insufficient to determine the role of this variant in disease. Therefore, it has been classified as a Variant of Uncertain Significance. Algorithms developed to predict the effect of missense changes on protein structure and function (SIFT, PolyPhen-2, Align-GVGD) all suggest that this variant is likely to be tolerated, but these predictions have not been confirmed by published functional studies and their clinical significance is uncertain. This variant has not been reported in the literature in individuals with RAD51D-related conditions. This variant is not present in population databases (ExAC no frequency).

GeneDx
Classification: Uncertain significance. Last evaluated: 2019-08-09. Review status: criteria provided, single submitter. Criteria: GeneDx Variant Classification Process June 2021. Collection method: clinical testing. Allele origin: germline. Affected: yes.
Comment: Not observed in large population cohorts (Lek et al., 2016); In silico analysis, which includes protein predictors and evolutionary conservation, supports that this variant does not alter protein structure/function; Has not been previously published as pathogenic or benign to our knowledge

NM_002878.4(RAD51D):c.151G>A (p.Val51Ile)

Genes: RAD51D (RAD51 paralog D; minus strand), RAD51L3-RFFL (RAD51L3-RFFL readthrough; minus strand). Cytogenetic location: 17q12.
Variant type: single nucleotide variant.
Coding change: c.151G>A on transcript NM_002878.4 (MANE Select); coding-DNA position 151, G replaced by A.
Protein change: p.Val51Ile; replaces valine 51 with isoleucine.
Molecular consequence: missense variant. On other transcripts: intron variant (2).
Genome position (GRCh38, 1-based): chr17:35,118,613, C>T on the plus strand (G>A on the coding strand, the complement: RAD51D is on the minus strand). VCF-style: chr17-35118613-C-T. GRCh37 (hg19) VCF-style: chr17-33445632-C-T.
Other names: c.144+498G>A (NM_133629.3, NM_001142571.2); short protein forms V51I.
Identifiers: ClinVar variation 954291 (VCV000954291.11), dbSNP rs2091778790, ClinGen allele CA399091614.